The following is an entry in ClinVar:

ClinVar aggregate classification (germline): Uncertain significance. Review status: criteria provided, multiple submitters, no conflicts (2 of 4 stars). 2 submissions from 2 submitters: Uncertain significance (2). Last evaluated 2025-08-28.

Conditions:
Primary ciliary dyskinesia. Also called: Ciliary dyskinesia. Identifiers: Orphanet 244, MedGen C0008780, MONDO:0016575, HP:0012265.

Allele frequency attached by ClinVar (database versions not stated): gnomAD exomes below 0.00001; TOPMed below 0.00001.
gnomAD v4.1: 2 of 1,613,520 alleles (0.00012%); highest among the groups gnomAD compares: Non-Finnish European, 0.00017%; no homozygotes.

Submissions (2):

Ambry Genetics
Classification: Uncertain significance for Primary ciliary dyskinesia. Last evaluated: 2025-08-28. Review status: criteria provided, single submitter. Criteria: Ambry Variant Classification Scheme 2023. Collection method: clinical testing. Allele origin: germline.

Labcorp Genetics (formerly Invitae), Labcorp
Classification: Uncertain significance for Primary ciliary dyskinesia. Last evaluated: 2021-09-01. Review status: criteria provided, single submitter. Criteria: Invitae Variant Classification Sherloc (09022015). Collection method: clinical testing. Allele origin: germline.
Comment: This sequence change replaces glutamic acid with glutamine at codon 827 of the DNAAF5 protein (p.Glu827Gln). The glutamic acid residue is highly conserved and there is a small physicochemical difference between glutamic acid and glutamine. This variant is not present in population databases (ExAC no frequency). This variant has not been reported in the literature in individuals affected with DNAAF5-related conditions. Algorithms developed to predict the effect of missense changes on protein structure and function are either unavailable or do not agree on the potential impact of this missense change (SIFT: "Tolerated"; PolyPhen-2: "Possibly Damaging"; Align-GVGD: "Class C0"). In summary, the available evidence is currently insufficient to determine the role of this variant in disease. Therefore, it has been classified as a Variant of Uncertain Significance.

NM_017802.4(DNAAF5):c.2479G>C (p.Glu827Gln)

Gene: DNAAF5 (dynein axonemal assembly factor 5; plus strand). Cytogenetic location: 7p22.3.
Variant type: single nucleotide variant.
Coding change: c.2479G>C on transcript NM_017802.4 (MANE Select); coding-DNA position 2479, G replaced by C.
Protein change: p.Glu827Gln; replaces glutamic acid 827 with glutamine.
Molecular consequence: missense variant. On other transcripts: non-coding transcript variant (1).
Genome position (GRCh38, 1-based): chr7:785,564, G>C. VCF-style: chr7-785564-G-C. GRCh37 (hg19) VCF-style: chr7-825201-G-C.
Other names: short protein forms E827Q.
Identifiers: ClinVar variation 835239 (VCV000835239.8), dbSNP rs1304156174, ClinGen allele CA366528438.